The following is an entry in ClinVar:

NM_014319.5(LEMD3):c.2098C>T (p.Arg700Cys)

Gene: LEMD3 (LEM domain containing 3; plus strand). Cytogenetic location: 12q14.3.
Variant type: single nucleotide variant.
Coding change: c.2098C>T on transcript NM_014319.5 (MANE Select); coding-DNA position 2098, C replaced by T.
Protein change: p.Arg700Cys; replaces arginine 700 with cysteine.
Molecular consequence: missense variant.
Genome position (GRCh38, 1-based): chr12:65,240,210, C>T. VCF-style: chr12-65240210-C-T. GRCh37 (hg19) VCF-style: chr12-65633990-C-T.
Other names: c.2095C>T, p.Arg699Cys (NM_001167614.2); short protein forms R699C, R700C.
Identifiers: ClinVar variation 881568 (VCV000881568.14), dbSNP rs373577886, ClinGen allele CA6671133.
Genomic context (GRCh38, chr12:65,240,210, plus strand): 5'-CATAATGAAGCCTGCCAGGAAAACAAAGATTTACAACCTTACATGCCTATTCCACATGTA[C>T]GCGATTCCTTAATACAGCCTCATGACAGGTGTGTTCAAAGCATTATGAGTTCAAGTAAAT-3'
Protein context (NP_055134.2, residues 690-710): LQPYMPIPHV[Arg700Cys]DSLIQPHDRK

ClinVar aggregate classification (germline): Conflicting classifications of pathogenicity. Review status: criteria provided, conflicting classifications (1 of 4 stars). 4 submissions from 4 submitters: Uncertain significance (1); Likely benign (3). Last evaluated 2026-04-01.

Conditions:
Dermatofibrosis lenticularis disseminata (BOS). Also called: OSTEOPATHIA CONDENSANS DISSEMINATA; DERMATOFIBROSIS LENTICULARIS DISSEMINATA WITH OSTEOPOIKILOSIS; DERMATOOSTEOPOIKILOSIS. Identifiers: Orphanet 1306, MedGen C0265514, MONDO:0008157, OMIM 166700.

Allele frequency attached by ClinVar (database versions not stated): gnomAD 0.00001; gnomAD exomes 0.00001 and 0.00002; TOPMed 0.00002; ESP Exome Variant Server 0.00008; ExAC 0.00002.
gnomAD v4.1: 33 of 1,612,918 alleles (0.002%); highest among the groups gnomAD compares: Admixed American, 0.01%; no homozygotes.

Submissions (4):

CeGaT Center for Human Genetics Tuebingen
Classification: Likely benign. Last evaluated: 2026-04-01. Review status: criteria provided, single submitter. Criteria: CeGaT Center For Human Genetics Tuebingen Variant Classification Criteria Version 2. Collection method: clinical testing. Allele origin: germline. Affected: yes. Observed: 1 variant allele.
Comment: LEMD3: BS1

Labcorp Genetics (formerly Invitae), Labcorp
Classification: Uncertain significance. Last evaluated: 2025-08-13. Review status: criteria provided, single submitter. Criteria: Invitae Variant Classification Sherloc (09022015). Collection method: clinical testing. Allele origin: germline.
Comment: This sequence change replaces arginine, which is basic and polar, with cysteine, which is neutral and slightly polar, at codon 700 of the LEMD3 protein (p.Arg700Cys). This variant is present in population databases (rs373577886, gnomAD 0.009%). This variant has not been reported in the literature in individuals affected with LEMD3-related conditions. ClinVar contains an entry for this variant (Variation ID: 881568). Invitae Evidence Modeling of protein sequence and biophysical properties (such as structural, functional, and spatial information, amino acid conservation, physicochemical variation, residue mobility, and thermodynamic stability) indicates that this missense variant is not expected to disrupt LEMD3 protein function with a negative predictive value of 80%. In summary, the available evidence is currently insufficient to determine the role of this variant in disease. Therefore, it has been classified as a Variant of Uncertain Significance.

Illumina Laboratory Services, Illumina
Classification: Likely benign for Dermatofibrosis lenticularis disseminata. Last evaluated: 2018-01-13. Review status: criteria provided, single submitter. Criteria: ICSL Variant Classification Criteria 13 December 2019. Collection method: clinical testing. Allele origin: germline.
Comment: This variant was observed in the ICSL laboratory as part of a predisposition screen in an ostensibly healthy population. It had not been previously curated by ICSL or reported in the Human Gene Mutation Database (HGMD: prior to June 1st, 2018), and was therefore a candidate for classification through an automated scoring system. Utilizing variant allele frequency, disease prevalence and penetrance estimates, and inheritance mode, an automated score was calculated to assess if this variant is too frequent to cause the disease. Based on the score and internal cut-off values, a variant classified as likely benign is not then subjected to further curation. The score for this variant resulted in a classification of likely benign for this disease.

Breakthrough Genomics
Classification: Likely benign. Review status: criteria provided, single submitter. Criteria: ACMG Guidelines, 2015. Collection method: not provided. Allele origin: germline. Inheritance: Autosomal dominant inheritance. Affected: yes.